The following is an entry in ClinVar:

NM_001377540.1(SLMAP):c.1655G>A (p.Arg552Gln)

Gene: SLMAP (sarcolemma associated protein; plus strand). Cytogenetic location: 3p14.3.
Variant type: single nucleotide variant.
Coding change: c.1655G>A on transcript NM_001377540.1 (MANE Select); coding-DNA position 1655, G replaced by A.
Protein change: p.Arg552Gln; replaces arginine 552 with glutamine.
Molecular consequence: missense variant. On other transcripts: non-coding transcript variant (1), intron variant (1).
Genome position (GRCh38, 1-based): chr3:57,909,106, G>A. VCF-style: chr3-57909106-G-A. GRCh37 (hg19) VCF-style: chr3-57894833-G-A.
Other names: c.1604G>A, p.Arg535Gln (NM_001304420.3, NM_001377541.1, NM_001377542.1); c.1490G>A, p.Arg497Gln (NM_001304421.2, NM_001377557.1, NM_001377559.1); c.206G>A, p.Arg69Gln (NM_001304422.3, NM_001311178.2); c.83G>A, p.Arg28Gln (NM_001311179.2, NM_001377926.1, NM_001377927.1 and 1 more transcripts); c.1676G>A, p.Arg559Gln (NM_001377538.1); c.1655G>A, p.Arg552Gln (NM_001377539.1); c.1592G>A, p.Arg531Gln (NM_001377545.1); c.1553G>A, p.Arg518Gln (NM_001377549.1, NM_007159.5); and 8 more; short protein forms R497Q, R531Q, R535Q, R28Q, R456Q, R494Q, R518Q, R473Q.
Identifiers: ClinVar variation 1400582 (VCV001400582.8), dbSNP rs372758327, ClinGen allele CA2467206.

ClinVar aggregate classification (germline): Uncertain significance (1 of 4 stars; one submission).

Conditions:
Brugada syndrome. Also called: Sudden unexpected nocturnal death syndrome; Sudden unexplained nocturnal death syndrome; Sudden Unexplained Death Syndrome; Sudden Unexplained Nocturnal Death Syndrome (SUNDS). Identifiers: Orphanet 130, MedGen C1142166, MONDO:0015263.

Allele frequency attached by ClinVar (database versions not stated): gnomAD exomes 0.00001 and 0.00002; gnomAD 0.00002; TOPMed 0.00003; ExAC 0.00004; ESP Exome Variant Server 0.00008.
gnomAD v4.1: 20 of 1,611,598 alleles (0.0012%); highest among the groups gnomAD compares: Middle Eastern, 0.033%; no homozygotes.

Submission:

Labcorp Genetics (formerly Invitae), Labcorp
Classification: Uncertain significance for Brugada syndrome. Last evaluated: 2025-04-24. Review status: criteria provided, single submitter. Criteria: Invitae Variant Classification Sherloc (09022015). Collection method: clinical testing. Allele origin: germline.
Comment: This sequence change replaces arginine, which is basic and polar, with glutamine, which is neutral and polar, at codon 518 of the SLMAP protein (p.Arg518Gln). This variant is present in population databases (rs372758327, gnomAD 0.02%). This variant has not been reported in the literature in individuals affected with SLMAP-related conditions. ClinVar contains an entry for this variant (Variation ID: 1400582). An algorithm developed to predict the effect of missense changes on protein structure and function (PolyPhen-2) suggests that this variant is likely to be tolerated. In summary, the available evidence is currently insufficient to determine the role of this variant in disease. Therefore, it has been classified as a Variant of Uncertain Significance.